The following is an entry in ClinVar:

NM_015512.5(DNAH1):c.8522G>A (p.Arg2841His)

Gene: DNAH1 (dynein axonemal heavy chain 1; plus strand). Cytogenetic location: 3p21.1.
Variant type: single nucleotide variant.
Coding change: c.8522G>A on transcript NM_015512.5 (MANE Select); coding-DNA position 8522, G replaced by A.
Protein change: p.Arg2841His; replaces arginine 2841 with histidine.
Molecular consequence: missense variant.
Genome position (GRCh38, 1-based): chr3:52,385,344, G>A. VCF-style: chr3-52385344-G-A. GRCh37 (hg19) VCF-style: chr3-52419360-G-A.
Other names: short protein forms R2841H.
Identifiers: ClinVar variation 661882 (VCV000661882.4), dbSNP rs12638197, ClinGen allele CA2435243.

ClinVar aggregate classification (germline): Uncertain significance (1 of 4 stars; one submission).

Conditions:
Spermatogenic failure 18. Identifiers: MedGen C4539783, MONDO:0054615, OMIM 617576.
Ciliary dyskinesia, primary, 37 (CILD37). Also called: CILIARY DYSKINESIA, PRIMARY, 37, WITH OR WITHOUT SITUS INVERSUS. Identifiers: MedGen C4539798, MONDO:0033204, OMIM 617577.

Allele frequency attached by ClinVar (database versions not stated): ExAC below 0.00001; gnomAD 0.00001; gnomAD exomes 0.00002 and 0.00004; TOPMed 0.00006.
gnomAD v4.1: 26 of 1,552,122 alleles (0.0017%); highest among the groups gnomAD compares: Admixed American, 0.0078%; no homozygotes.

Submission:

Labcorp Genetics (formerly Invitae), Labcorp
Classification: Uncertain significance for Ciliary dyskinesia, primary, 37; Spermatogenic failure 18. Last evaluated: 2022-07-05. Review status: criteria provided, single submitter. Criteria: Invitae Variant Classification Sherloc (09022015). Collection method: clinical testing. Allele origin: germline.
Comment: In summary, the available evidence is currently insufficient to determine the role of this variant in disease. Therefore, it has been classified as a Variant of Uncertain Significance. Algorithms developed to predict the effect of missense changes on protein structure and function output the following: SIFT: "Deleterious"; PolyPhen-2: "Benign"; Align-GVGD: "Class C0". The histidine amino acid residue is found in multiple mammalian species, which suggests that this missense change does not adversely affect protein function. ClinVar contains an entry for this variant (Variation ID: 661882). This variant has not been reported in the literature in individuals affected with DNAH1-related conditions. This variant is present in population databases (rs12638197, gnomAD 0.01%). This sequence change replaces arginine, which is basic and polar, with histidine, which is basic and polar, at codon 2841 of the DNAH1 protein (p.Arg2841His).